The following is an entry in ClinVar:

NM_001170629.2(CHD8):c.4984C>T (p.Arg1662Ter)

Gene: CHD8 (chromodomain helicase DNA binding protein 8; minus strand). Cytogenetic location: 14q11.2.
Variant type: single nucleotide variant.
Coding change: c.4984C>T on transcript NM_001170629.2 (MANE Select); coding-DNA position 4984, C replaced by T.
Protein change: p.Arg1662Ter; replaces arginine 1662 with a stop codon.
Molecular consequence: nonsense.
Genome position (GRCh38, 1-based): chr14:21,397,890, G>A on the plus strand (C>T on the coding strand, the complement: CHD8 is on the minus strand). VCF-style: chr14-21397890-G-A. GRCh37 (hg19) VCF-style: chr14-21866049-G-A.
Other names: c.4147C>T, p.Arg1383Ter (NM_020920.4); short protein forms R1383*, R1662*.
Identifiers: ClinVar variation 1029213 (VCV001029213.7), dbSNP rs1555313934, ClinGen allele CA388886903.

ClinVar aggregate classification (germline): Pathogenic. Review status: criteria provided, multiple submitters, no conflicts (2 of 4 stars). 5 submissions from 5 submitters: Pathogenic (4). 1 of the submissions does not count toward it. Last evaluated 2024-03-25.

Conditions:
Intellectual developmental disorder with autism and macrocephaly. Also called: CHD8-Related Neurodevelopmental Disorder with Overgrowth; Autism, susceptibility to, 18. Identifiers: Orphanet 642675, MedGen C3554373, MONDO:0014017, OMIM 615032.
CHD8-related disorder. Also called: CHD8-related disorders; CHD8-related condition.
Inborn genetic diseases. Identifiers: MedGen C0950123, MeSH D030342.

Submissions (5):

GeneDx
Classification: Pathogenic. Last evaluated: 2024-03-25. Review status: criteria provided, single submitter. Criteria: GeneDx Variant Classification Process June 2021. Collection method: clinical testing. Allele origin: germline.
Comment: Reported as a de novo variant in association with autistic features and speech delay in the published literature (PMID: 28600779; AlQassmi A et al. (2018) J Psychiatr Depress Anxiety. 4 (012) DOI:10.24966/PDA-0150/100012); Nonsense variant predicted to result in protein truncation or nonsense mediated decay in a gene for which loss of function is a known mechanism of disease; Published functional studies demonstrate a damaging effect (results in nonsense mediated decay) (PMID: 36669495); Not observed in large population cohorts (gnomAD); This variant is associated with the following publications: (PMID: 31130284, 32309624, 36182950, AlQassmi2018[article], 36669495, 28600779)

Ambry Genetics
Classification: Pathogenic for Inborn genetic diseases. Last evaluated: 2023-02-15. Review status: criteria provided, single submitter. Criteria: Ambry Variant Classification Scheme 2023. Collection method: clinical testing. Allele origin: germline.
Comment: The c.4984C>T (p.R1662*) alteration, located in exon 26 (coding exon 26) of the CHD8 gene, consists of a C to T substitution at nucleotide position 4984. This changes the amino acid from an arginine (R) to a stop codon at amino acid position 1662. This alteration is expected to result in loss of function by premature protein truncation or nonsense-mediated mRNA decay. This variant was not reported in population-based cohorts in the Genome Aggregation Database (gnomAD). This variant has been reported as de novo in an individual with features consistent with CHD8-related neurodevelopmental disorder (Monies, 2017; Monies, 2019; Alotaibi, 2020). Based on the available evidence, this alteration is classified as pathogenic.

PreventionGenetics, part of Exact Sciences
Classification: Pathogenic for CHD8-related condition. Last evaluated: 2022-10-25. Review status: criteria provided, single submitter. Criteria: ACMG Guidelines, 2015. Collection method: clinical testing. Allele origin: germline.
Comment: The CHD8 c.4984C>T variant is predicted to result in premature protein termination (p.Arg1662*). This variant was reported to have arisen de novo in individuals with autism spectrum disorder (Table S1, Monies et al. 2017. PubMed ID: 28600779; Table S1, Monies et al. 2019. PubMed ID: 31130284; Alotaibi et al. 2020. PubMed ID: 32309624). This variant has not been reported in a large population database, indicating this variant is rare. Nonsense variants in CHD8 are expected to be pathogenic. This variant is interpreted as pathogenic.

Baylor Genetics
Classification: Pathogenic for Intellectual developmental disorder with autism and macrocephaly. Last evaluated: 2020-10-15. Review status: criteria provided, single submitter. Criteria: ACMG Guidelines, 2015. Collection method: clinical testing. Allele origin: de novo. Affected: yes.
Comment: This variant was determined to be pathogenic according to ACMG Guidelines, 2015 [PMID:25741868].

Genomic Medicine Center of Excellence, King Faisal Specialist Hospital and Research Centre
Classification: Uncertain significance for Intellectual developmental disorder with autism and macrocephaly. Last evaluated: 2025-09-10. Review status: flagged submission. Criteria: ACMG Guidelines, 2015. Collection method: clinical testing. Allele origin: germline. Not counted in ClinVar's aggregate classification.
ClinVar note: Reason: Outlier claim with insufficient supporting evidence

Literature cited by the submitters: PubMed 28600779 (cited by Ambry Genetics); PubMed 31130284 (cited by Ambry Genetics); PubMed 32309624 (cited by Ambry Genetics).